The following is an entry in ClinVar:

NM_001164508.2(NEB):c.8793A>C (p.Lys2931Asn)

Gene: NEB (nebulin; minus strand). Cytogenetic location: 2q23.3.
Variant type: single nucleotide variant.
Coding change: c.8793A>C on transcript NM_001164508.2 (MANE Select); coding-DNA position 8793, A replaced by C.
Protein change: p.Lys2931Asn; replaces lysine 2931 with asparagine.
Molecular consequence: missense variant.
Genome position (GRCh38, 1-based): chr2:151,639,953, T>G on the plus strand (A>C on the coding strand, the complement: NEB is on the minus strand). VCF-style: chr2-151639953-T-G. GRCh37 (hg19) VCF-style: chr2-152496467-T-G.
Other names: c.8793A>C, p.Lys2931Asn (NM_001164507.2, NM_001271208.2, NM_004543.5); short protein forms K2931N.
Identifiers: ClinVar variation 1476750 (VCV001476750.3), dbSNP rs764708311, ClinGen allele CA57664305.
Genomic context (GRCh38, chr2:151,639,953, plus strand): 5'-TTGTTCCAGAGAGTCAGTCACACTGGTAAATTTGAATCTGTCTGGAGGCTGGCGATAGAT[T>G]TTATCACTCAAAATTTCAGTTGCCCTTTTGCATTTTTCCACATCCAAAGAGCCAATGGAC-3'
Protein context (NP_001157980.2, residues 2921-2941): CKRATEILSD[Lys2931Asn]IYRQPPDRFK

ClinVar aggregate classification (germline): Uncertain significance (1 of 4 stars; one submission).

Conditions:
Nemaline myopathy 2 (NEM2). Also called: Nemaline myopathy 2, autosomal recessive. Identifiers: MedGen C1850569, MONDO:0009725, OMIM 256030.

Allele frequency attached by ClinVar (database versions not stated): gnomAD exomes 0.00001.
gnomAD v4.1: 14 of 1,613,968 alleles (0.00087%); highest among the groups gnomAD compares: Non-Finnish European, 0.0012%; no homozygotes.

Submission:

Labcorp Genetics (formerly Invitae), Labcorp
Classification: Uncertain significance for Nemaline myopathy 2. Last evaluated: 2021-10-15. Review status: criteria provided, single submitter. Criteria: Invitae Variant Classification Sherloc (09022015). Collection method: clinical testing. Allele origin: germline.
Comment: This sequence change replaces lysine with asparagine at codon 2931 of the NEB protein (p.Lys2931Asn). The lysine residue is moderately conserved and there is a moderate physicochemical difference between lysine and asparagine. This variant is not present in population databases (ExAC no frequency). This variant has not been reported in the literature in individuals affected with NEB-related conditions. Algorithms developed to predict the effect of missense changes on protein structure and function are either unavailable or do not agree on the potential impact of this missense change (SIFT: "Deleterious"; PolyPhen-2: "Not Available"; Align-GVGD: "Class C0"). In summary, the available evidence is currently insufficient to determine the role of this variant in disease. Therefore, it has been classified as a Variant of Uncertain Significance.